The following is an entry in ClinVar:

NM_000092.5(COL4A4):c.594+2T>C

Gene: COL4A4 (collagen type IV alpha 4 chain; minus strand). Cytogenetic location: 2q36.3.
Variant type: single nucleotide variant.
Coding change: c.594+2T>C on transcript NM_000092.5 (MANE Select); the canonical splice donor site of the intron after coding-DNA position 594, T replaced by C.
Molecular consequence: splice donor variant.
Genome position (GRCh38, 1-based): chr2:227,111,676, A>G on the plus strand (T>C on the coding strand, the complement: COL4A4 is on the minus strand). VCF-style: chr2-227111676-A-G. GRCh37 (hg19) VCF-style: chr2-227976392-A-G.
Identifiers: ClinVar variation 4884711 (VCV004884711.1).

ClinVar aggregate classification (germline): Pathogenic (1 of 4 stars; one submission).

Conditions:
Hematuria, benign familial, 1 (BFH1). Also called: THIN MEMBRANE NEPHROPATHY. Identifiers: MedGen CN376803, MONDO:0007709, OMIM 141200.

Submission:

Centre de Génétique Humaine, Institut de Pathologie Et de Génétique
Classification: Pathogenic for Hematuria, benign familial, 1. Last evaluated: 2026-06-01. Review status: criteria provided, single submitter. Criteria: ACMG Guidelines, 2015. Collection method: clinical testing. Allele origin: germline. Inheritance: Autosomal dominant inheritance. Affected: yes. Observed: 2 variant alleles, 2 heterozygotes. Clinical features observed: Microscopic hematuria (HP:0002907). Segregation with disease observed.
Comment: Variant located in the canonical donor splice site of intron 34 (PVS1). This variant is rare: absent in gnomAD v4.1.0 database (PM2).